The following is an entry in ClinVar:

ClinVar aggregate classification (germline): Uncertain significance. Review status: criteria provided, multiple submitters, no conflicts (2 of 4 stars). 3 submissions from 3 submitters: Uncertain significance (3). Last evaluated 2024-10-04.

Conditions:
Inborn genetic diseases. Identifiers: MedGen C0950123, MeSH D030342.
Nephronophthisis 16 (NPHP16). Identifiers: Orphanet 655, MedGen C3809320, MONDO:0014158, OMIM 615382.

Allele frequency attached by ClinVar (database versions not stated): gnomAD 0.00001; TOPMed 0.00002; gnomAD exomes 0.00005 and 0.00013; ExAC 0.00014; 1000 Genomes Project 30x 0.00016; 1000 Genomes Project 0.00020.
gnomAD v4.1: 87 of 1,604,116 alleles (0.0054%); highest among the groups gnomAD compares: Middle Eastern, 0.68%; 3 homozygotes.

Submissions (3):

Ambry Genetics
Classification: Uncertain significance for Inborn genetic diseases. Last evaluated: 2024-10-04. Review status: criteria provided, single submitter. Criteria: Ambry Variant Classification Scheme 2023. Collection method: clinical testing. Allele origin: germline.

Fulgent Genetics
Classification: Uncertain significance for Nephronophthisis 16. Last evaluated: 2021-09-15. Review status: criteria provided, single submitter. Criteria: ACMG Guidelines, 2015. Collection method: clinical testing. Allele origin: unknown.

Labcorp Genetics (formerly Invitae), Labcorp
Classification: Uncertain significance for Nephronophthisis 16. Last evaluated: 2021-06-02. Review status: criteria provided, single submitter. Criteria: Invitae Variant Classification Sherloc (09022015). Collection method: clinical testing. Allele origin: germline.
Comment: Algorithms developed to predict the effect of missense changes on protein structure and function are either unavailable or do not agree on the potential impact of this missense change (SIFT: "Deleterious"; PolyPhen-2: "Possibly Damaging"; Align-GVGD: "Class C0"). This sequence change replaces methionine with isoleucine at codon 230 of the ANKS6 protein (p.Met230Ile). The methionine residue is highly conserved and there is a small physicochemical difference between methionine and isoleucine. This variant is present in population databases (rs201704559, ExAC 0.02%), including at least one homozygous and/or hemizygous individual. This variant has not been reported in the literature in individuals with ANKS6-related conditions. In summary, the available evidence is currently insufficient to determine the role of this variant in disease. Therefore, it has been classified as a Variant of Uncertain Significance.

NM_173551.5(ANKS6):c.690G>A (p.Met230Ile)

Gene: ANKS6 (ankyrin repeat and sterile alpha motif domain containing 6; minus strand). Cytogenetic location: 9q22.33.
Variant type: single nucleotide variant.
Coding change: c.690G>A on transcript NM_173551.5 (MANE Select); coding-DNA position 690, G replaced by A.
Protein change: p.Met230Ile; replaces methionine 230 with isoleucine.
Molecular consequence: missense variant.
Genome position (GRCh38, 1-based): chr9:98,790,276, C>T on the plus strand (G>A on the coding strand, the complement: ANKS6 is on the minus strand). VCF-style: chr9-98790276-C-T. GRCh37 (hg19) VCF-style: chr9-101552558-C-T.
Other names: c.690G>A (NM_173551.3); short protein forms M230I.
Identifiers: ClinVar variation 1486559 (VCV001486559.10), dbSNP rs201704559, ClinGen allele CA5153779.